The following is an entry in ClinVar:

ClinVar aggregate classification (germline): Uncertain significance (1 of 4 stars; one submission).

Conditions:
Cardiovascular phenotype. Identifiers: MedGen CN230736.

Submission:

Ambry Genetics
Classification: Uncertain significance for Cardiovascular phenotype. Last evaluated: 2025-11-15. Review status: criteria provided, single submitter. Criteria: Ambry Variant Classification Scheme 2023. Collection method: clinical testing. Allele origin: germline.
Comment: The p.G204V variant (also known as c.611G>T), located in coding exon 1 of the ALPK3 gene, results from a G to T substitution at nucleotide position 611. The glycine at codon 204 is replaced by valine, an amino acid with dissimilar properties. This amino acid position is conserved. In addition, this alteration is predicted to be tolerated by in silico analysis. Based on the available evidence, the clinical significance of this variant remains unclear.

NM_020778.5(ALPK3):c.5G>T (p.Gly2Val)

Gene: ALPK3 (alpha kinase 3; plus strand). Cytogenetic location: 15q25.3.
Variant type: single nucleotide variant.
Coding change: c.5G>T on transcript NM_020778.5 (MANE Select); coding-DNA position 5, G replaced by T.
Protein change: p.Gly2Val; replaces glycine 2 with valine.
Molecular consequence: missense variant.
Genome position (GRCh38, 1-based): chr15:84,817,457, G>T. VCF-style: chr15-84817457-G-T. GRCh37 (hg19) VCF-style: chr15-85360688-G-T.
Other names: short protein forms G2V.
Identifiers: ClinVar variation 4613513 (VCV004613513.1).